The following is an entry in ClinVar:

NM_001330078.2(NRXN1):c.3443G>A (p.Arg1148Gln)

Gene: NRXN1 (neurexin 1; minus strand). Cytogenetic location: 2p16.3.
Variant type: single nucleotide variant.
Coding change: c.3443G>A on transcript NM_001330078.2 (MANE Select); coding-DNA position 3443, G replaced by A.
Protein change: p.Arg1148Gln; replaces arginine 1148 with glutamine.
Molecular consequence: missense variant.
Genome position (GRCh38, 1-based): chr2:50,236,892, C>T on the plus strand (G>A on the coding strand, the complement: NRXN1 is on the minus strand). VCF-style: chr2-50236892-C-T. GRCh37 (hg19) VCF-style: chr2-50464030-C-T.
Other names: c.3563G>A, p.Arg1188Gln (NM_001135659.3); c.3419G>A, p.Arg1140Gln (NM_001330077.2, NM_001330082.2); c.3377G>A, p.Arg1126Gln (NM_001330083.2, NM_001330084.2); c.3416G>A, p.Arg1139Gln (NM_001330085.2); c.3443G>A, p.Arg1148Gln (NM_001330086.2, NM_004801.6); c.3332G>A, p.Arg1111Gln (NM_001330087.2, NM_001330096.2); c.3362G>A, p.Arg1121Gln (NM_001330088.2); c.338G>A, p.Arg113Gln (NM_001330091.2, NM_001330092.2, NM_001330097.2 and 1 more transcripts); and 3 more; short protein forms R1111Q, R1121Q, R1126Q, R1131Q, R1139Q, R113Q, R1140Q, R1144Q.
Identifiers: ClinVar variation 3026997 (VCV003026997.22), dbSNP rs2465540391, ClinGen allele CA346820987.
Genomic context (GRCh38, chr2:50,236,892, plus strand): 5'-ACTCGCACCAATACGGCTTCTTTCTGAACAGTGCTAAAACCTATGGCCAGTCTGTCTGCT[C>T]GTGTACTGGGTCGGTCATTAGGAGGCCACTTATACGTGATTTGTCCACCACCTTTGCTAA-3'
Protein context (NP_001317007.1, residues 1138-1158): KWPPNDRPST[Arg1148Gln]ADRLAIGFST

ClinVar aggregate classification (germline): Uncertain significance (1 of 4 stars; one submission).

Submission:

CeGaT Center for Human Genetics Tuebingen
Classification: Uncertain significance. Last evaluated: 2024-01-01. Review status: criteria provided, single submitter. Criteria: CeGaT Center For Human Genetics Tuebingen Variant Classification Criteria Version 2. Collection method: clinical testing. Allele origin: germline. Affected: yes. Observed: 1 variant allele.
Comment: NRXN1: PM2